The following is an entry in ClinVar:

ClinVar aggregate classification (germline): Uncertain significance (1 of 4 stars; one submission).

Conditions:
Oligodontia-cancer predisposition syndrome. Also called: TOOTH AGENESIS-COLORECTAL CANCER SYNDROME. Identifiers: Orphanet 300576, MedGen C1837750, MONDO:0012075, OMIM 608615. Disease mechanism: loss of function.

Submission:

Labcorp Genetics (formerly Invitae), Labcorp
Classification: Uncertain significance for Oligodontia-cancer predisposition syndrome. Last evaluated: 2022-06-26. Review status: criteria provided, single submitter. Criteria: Invitae Variant Classification Sherloc (09022015). Collection method: clinical testing. Allele origin: germline.
Comment: In summary, the available evidence is currently insufficient to determine the role of this variant in disease. Therefore, it has been classified as a Variant of Uncertain Significance. Algorithms developed to predict the effect of missense changes on protein structure and function (SIFT, PolyPhen-2, Align-GVGD) all suggest that this variant is likely to be tolerated. This variant has not been reported in the literature in individuals affected with AXIN2-related conditions. This variant is not present in population databases (gnomAD no frequency). This sequence change replaces proline, which is neutral and non-polar, with arginine, which is basic and polar, at codon 566 of the AXIN2 protein (p.Pro566Arg).

NM_004655.4(AXIN2):c.1697C>G (p.Pro566Arg)

Gene: AXIN2 (axin 2; minus strand). Cytogenetic location: 17q24.1.
Variant type: single nucleotide variant.
Coding change: c.1697C>G on transcript NM_004655.4 (MANE Select); coding-DNA position 1697, C replaced by G.
Protein change: p.Pro566Arg; replaces proline 566 with arginine.
Molecular consequence: missense variant.
Genome position (GRCh38, 1-based): chr17:65,537,339, G>C on the plus strand (C>G on the coding strand, the complement: AXIN2 is on the minus strand). VCF-style: chr17-65537339-G-C. GRCh37 (hg19) VCF-style: chr17-63533457-G-C.
Other names: c.1697C>G, p.Pro566Arg (NM_001363813.1); short protein forms P566R.
Identifiers: ClinVar variation 2010794 (VCV002010794.4), dbSNP rs2509411059, ClinGen allele CA400676814.
Genomic context (GRCh38, chr17:65,537,339, plus strand): 5'-GGAGACAAGCCCCACACGGGACACTGCGGTCCGCCCGGCACTTACCCAAACTGCTCGCTG[G>C]GCATGGTTTCCGGAGCCTTGGAGTGGCTTTTGCATTTCGAGTAGCAGTAATACTCGCTGC-3'
Protein context (NP_004646.3, residues 556-576): KSHSKAPETM[Pro566Arg]SEQFGGSRGS